The following is an entry in ClinVar:

NM_000059.4(BRCA2):c.7163del (p.Thr2388fs)

Gene: BRCA2 (BRCA2 DNA repair associated; plus strand). Cytogenetic location: 13q13.1.
Variant type: Deletion.
Coding change: c.7163del on transcript NM_000059.4 (MANE Select); coding-DNA position 7163, one base deleted (C; older notation c.7163delC).
Protein change: p.Thr2388fs; shifts the reading frame from threonine 2388.
Molecular consequence: frameshift variant. On other transcripts: non-coding transcript variant (1).
Genome position (GRCh38, 1-based): chr13:32,355,016, C deleted. VCF-style (leftmost placement, unchanged base first): chr13-32355015-AC-A. GRCh37 (hg19) VCF-style: chr13-32929152-AC-A.
Other names: c.7067del, p.Thr2356fs (NM_001406719.1); c.7163del, p.Thr2388fs (NM_001406720.1); c.2231del, p.Thr744fs (NM_001406721.1); c.746del, p.Thr249fs (NM_001406722.1); short protein forms T2356fs, T2388fs, T249fs, T744fs.
Identifiers: ClinVar variation 2573256 (VCV002573256.1), dbSNP rs2548540188, ClinGen allele CA2580614669.
Genomic context (GRCh38, chr13:32,355,015, plus strand): 5'-TTGGAAAAATCTTCAAGCAATTTAGCAGTTTCAGGACATCCATTTTATCAAGTTTCTGCT[AC>A]AAGAAATGAAAAAATGAGACACTTGATTACTACAGGCAGACCAACCAAAGTCTTTGTTCC-3'

ClinVar aggregate classification (germline): Pathogenic (1 of 4 stars; one submission).

Conditions:
Breast-ovarian cancer, familial, susceptibility to, 2 (BROVCA2). Also called: BRCA2 Hereditary Breast and Ovarian Cancer. Identifiers: Orphanet 145, MedGen C2675520, MONDO:0012933, OMIM 612555. Disease mechanism: loss of function.

Submission:

Myriad Genetics, Inc.
Classification: Pathogenic for Breast-ovarian cancer, familial, susceptibility to, 2. Last evaluated: 2023-04-03. Review status: criteria provided, single submitter. Criteria: Myriad Autosomal Dominant, Autosomal Recessive and X-Linked Classification Criteria (2023). Collection method: clinical testing. Allele origin: unknown.
Comment: This variant is considered pathogenic. This variant creates a frameshift predicted to result in premature protein truncation.